The following is an entry in ClinVar:

ClinVar aggregate classification (germline): Uncertain significance (1 of 4 stars; one submission).

Submission:

ISCA site 14
Classification: Uncertain significance. Last evaluated: 2011-08-12. Review status: criteria provided, single submitter. Criteria: Kaminsky et al. (Genet Med. 2011). Collection method: clinical testing. Allele origin: unknown. Affected: yes. Observed: 1 variant allele.
Comment: Copy number variation identified through the course of routine clinical cytogenomic testing in postnatal populations. Clinical assertions have been curated as described in Kaminsky et al. 2011.

GRCh38/hg38 1p36.11(chr1:25258106-25441156)x1

Genes: MACO1 (macoilin 1; plus strand), RHCE (Rh blood group CcEe antigens; minus strand), RHD (Rh blood group D antigen; plus strand), RSRP1 (arginine and serine rich protein 1; minus strand), TMEM50A (transmembrane protein 50A; plus strand) and 9 more. Cytogenetic location: 1p36.11.
Variant type: copy number loss.
Change: copy number 1 (one copy instead of two) of chr1:25,258,106-25,441,156 (183.1 kb, GRCh38 coordinates, 1-based), cytogenetic band 1p36.11.
Identifiers: ClinVar variation 59357 (VCV000059357.1).